The following is an entry in ClinVar:

NM_000493.4(COL10A1):c.1268C>T (p.Pro423Leu)

Genes: COL10A1 (collagen type X alpha 1 chain; minus strand), NT5DC1 (5'-nucleotidase domain containing 1; plus strand). Cytogenetic location: 6q22.1.
Variant type: single nucleotide variant.
Coding change: c.1268C>T on transcript NM_000493.4 (MANE Select); coding-DNA position 1268, C replaced by T.
Protein change: p.Pro423Leu; replaces proline 423 with leucine.
Molecular consequence: missense variant. On other transcripts: intron variant (1).
Genome position (GRCh38, 1-based): chr6:116,120,848, G>A on the plus strand (C>T on the coding strand, the complement: COL10A1 is on the minus strand). VCF-style: chr6-116120848-G-A. GRCh37 (hg19) VCF-style: chr6-116442011-G-A.
Other names: c.1268C>T, p.Pro423Leu (NM_001424106.1, NM_001424107.1); c.529+2903G>A (NM_152729.3); short protein forms P423L.
Identifiers: ClinVar variation 1967292 (VCV001967292.5), dbSNP rs140265850, ClinGen allele CA3968215.

ClinVar aggregate classification (germline): Uncertain significance (1 of 4 stars; one submission).

Allele frequency attached by ClinVar (database versions not stated): gnomAD exomes below 0.00001; ExAC 0.00001; gnomAD 0.00003; TOPMed 0.00004; ESP Exome Variant Server 0.00008.
gnomAD v4.1: 6 of 1,613,944 alleles (0.00037%); highest among the groups gnomAD compares: African/African-American, 0.008%; no homozygotes.

Submission:

Labcorp Genetics (formerly Invitae), Labcorp
Classification: Uncertain significance. Last evaluated: 2022-08-31. Review status: criteria provided, single submitter. Criteria: Invitae Variant Classification Sherloc (09022015). Collection method: clinical testing. Allele origin: germline.
Comment: In summary, the available evidence is currently insufficient to determine the role of this variant in disease. Therefore, it has been classified as a Variant of Uncertain Significance. Algorithms developed to predict the effect of missense changes on protein structure and function output the following: SIFT: "Tolerated"; PolyPhen-2: "Not Available"; Align-GVGD: "Class C0". The leucine amino acid residue is found in multiple mammalian species, which suggests that this missense change does not adversely affect protein function. This variant has not been reported in the literature in individuals affected with COL10A1-related conditions. This variant is present in population databases (rs140265850, gnomAD 0.01%). This sequence change replaces proline, which is neutral and non-polar, with leucine, which is neutral and non-polar, at codon 423 of the COL10A1 protein (p.Pro423Leu).